The following is an entry in ClinVar:

NM_002519.3(NPAT):c.2332A>C (p.Lys778Gln)

Gene: NPAT (nuclear protein, coactivator of histone transcription; minus strand). Cytogenetic location: 11q22.3.
Variant type: single nucleotide variant.
Coding change: c.2332A>C on transcript NM_002519.3 (MANE Select); coding-DNA position 2332, A replaced by C.
Protein change: p.Lys778Gln; replaces lysine 778 with glutamine.
Molecular consequence: missense variant.
Genome position (GRCh38, 1-based): chr11:108,172,652, T>G on the plus strand (A>C on the coding strand, the complement: NPAT is on the minus strand). VCF-style: chr11-108172652-T-G. GRCh37 (hg19) VCF-style: chr11-108043379-T-G.
Other names: c.2332A>C, p.Lys778Gln (NM_001321307.1); short protein forms K778Q.
Identifiers: ClinVar variation 3640719 (VCV003640719.2).

ClinVar aggregate classification (germline): Uncertain significance (1 of 4 stars; one submission).

Submission:

Labcorp Genetics (formerly Invitae), Labcorp
Classification: Uncertain significance. Last evaluated: 2025-07-14. Review status: criteria provided, single submitter. Criteria: Invitae Variant Classification Sherloc (09022015). Collection method: clinical testing. Allele origin: germline.
Comment: This sequence change replaces lysine, which is basic and polar, with glutamine, which is neutral and polar, at codon 778 of the NPAT protein (p.Lys778Gln). This variant is not present in population databases (gnomAD no frequency). This variant has not been reported in the literature in individuals affected with NPAT-related conditions. ClinVar contains an entry for this variant (Variation ID: 3640719). An algorithm developed to predict the effect of missense changes on protein structure and function (PolyPhen-2) suggests that this variant is likely to be tolerated. In summary, the available evidence is currently insufficient to determine the role of this variant in disease. Therefore, it has been classified as a Variant of Uncertain Significance.